The following is an entry in ClinVar:

ClinVar aggregate classification (germline): Pathogenic. Review status: criteria provided, single submitter (1 of 4 stars). 2 submissions from 2 submitters: Pathogenic (1). 1 of the submissions does not count toward it. Last evaluated 2023-12-28.

Conditions:
Langer mesomelic dysplasia syndrome (LMD). Also called: Langer mesomelic dysplasia; DYSCHONDROSTEOSIS, HOMOZYGOUS. Identifiers: Orphanet 2632, MedGen C0432230, MONDO:0009588, OMIM 249700.

Submissions (2):

ARUP Laboratories, Molecular Genetics and Genomics, ARUP Laboratories
Classification: Pathogenic. Last evaluated: 2023-12-28. Review status: criteria provided, single submitter. Criteria: ARUP Molecular Germline Variant Investigation Process 2024. Collection method: clinical testing. Allele origin: germline.
Comment: The SHOX c.352_353dup; p.Arg119GlyfsTer12 variant (rs1569493663) is reported in the literature in a compound heterozygous individual affected with Langer mesomelic dysplasia (Zinn 2002). This variant is reported in ClinVar (Variation ID: 9881) and is absent from the Genome Aggregation Database (v2.1.1), indicating it is not a common polymorphism. This variant causes a frameshift by inserting two nucleotides, so it is predicted to result in a truncated protein or mRNA subject to nonsense-mediated decay. Based on available information, this variant is considered to be pathogenic. References: Zinn AR et al. Complete SHOX deficiency causes Langer mesomelic dysplasia. Am J Med Genet. 2002 Jun 15;110(2):158-63. PMID: 12116254.

OMIM
Classification: Pathogenic for LANGER MESOMELIC DYSPLASIA. Last evaluated: 2002-06-15. Review status: no assertion criteria provided. Collection method: literature only. Allele origin: germline. Not counted in ClinVar's aggregate classification.

Literature cited by the submitters: PubMed 12116254 (cited by OMIM).

NM_000451.4(SHOX):c.352_353dup (p.Arg119fs)

Genes: SHOX (SHOX homeobox; plus strand), LOC107652445 (meiotic recombination hotspot SHOX; plus strand). Cytogenetic location: Xp22.33.
Variant type: Microsatellite.
Coding change: c.352_353dup on transcript NM_000451.4 (MANE Select); coding-DNA positions 352 to 353, 2 bases duplicated (AG; older notation c.352_353dupAG).
Protein change: p.Arg119fs; shifts the reading frame from arginine 119.
Molecular consequence: frameshift variant.
Genome position (GRCh38, 1-based): chrX:634,692-634,693, AG duplicated; duplicating any 2 consecutive bases within chrX:634,690-634,693 gives the same sequence; the c. name uses the placement nearest the transcript's 3' end. VCF-style (leftmost placement, unchanged base first): chrX-634689-C-CAG. GRCh37 (hg19) VCF-style: chrX-595424-C-CAG.
Other names: c.352_353dupAG (NM_000451.3); c.352_353dup, p.Arg119fs (NM_006883.2); short protein forms R119fs.
Identifiers: ClinVar variation 9881 (VCV000009881.2), dbSNP rs1569493663, ClinGen allele CA916083833.